The following is an entry in ClinVar:

NM_001165963.4(SCN1A):c.350T>C (p.Leu117Pro)

Gene: SCN1A (sodium voltage-gated channel alpha subunit 1; minus strand). Cytogenetic location: 2q24.3.
Variant type: single nucleotide variant.
Coding change: c.350T>C on transcript NM_001165963.4 (MANE Select); coding-DNA position 350, T replaced by C.
Protein change: p.Leu117Pro; replaces leucine 117 with proline.
Molecular consequence: missense variant. On other transcripts: 5 prime UTR variant (1), non-coding transcript variant (1).
Genome position (GRCh38, 1-based): chr2:166,058,603, A>G on the plus strand (T>C on the coding strand, the complement: SCN1A is on the minus strand). VCF-style: chr2-166058603-A-G. GRCh37 (hg19) VCF-style: chr2-166915113-A-G.
Other names: c.350T>C, p.Leu117Pro (NM_001165964.3, NM_001202435.3, NM_001353948.2 and 10 more transcripts); c.-2076T>C (NM_001353961.2); short protein forms L117P.
Identifiers: ClinVar variation 423370 (VCV000423370.9), dbSNP rs1064796384, ClinGen allele CA16617318.

ClinVar aggregate classification (germline): Pathogenic/Likely pathogenic. Review status: criteria provided, multiple submitters, no conflicts (2 of 4 stars). 3 submissions from 3 submitters: Pathogenic (2); Likely pathogenic (1). Last evaluated 2024-10-30.

Conditions:
Early-infantile DEE. Also called: Early infantile epileptic encephalopathy; Ohtahara syndrome; Early infantile epileptic encephalopathy with suppression bursts. Identifiers: Orphanet 1934, MedGen C0393706, MONDO:0800491.
Generalized epilepsy with febrile seizures plus, type 2 (GEFSP2). Also called: GEFS+, TYPE 2. Identifiers: Orphanet 36387, MedGen C1858673, MONDO:0011461, OMIM 604403.

Submissions (3):

Labcorp Genetics (formerly Invitae), Labcorp
Classification: Pathogenic for Early-infantile DEE. Last evaluated: 2024-10-30. Review status: criteria provided, single submitter. Criteria: Invitae Variant Classification Sherloc (09022015). Collection method: clinical testing. Allele origin: germline.
Comment: This sequence change replaces leucine, which is neutral and non-polar, with proline, which is neutral and non-polar, at codon 117 of the SCN1A protein (p.Leu117Pro). This variant is not present in population databases (gnomAD no frequency). This missense change has been observed in individual(s) with clinical features of SCN1A-related conditions (internal data). In at least one individual the variant was observed to be de novo. ClinVar contains an entry for this variant (Variation ID: 423370). Invitae Evidence Modeling of protein sequence and biophysical properties (such as structural, functional, and spatial information, amino acid conservation, physicochemical variation, residue mobility, and thermodynamic stability) indicates that this missense variant is expected to disrupt SCN1A protein function with a positive predictive value of 95%. For these reasons, this variant has been classified as Pathogenic.

Institute of Human Genetics, University of Leipzig Medical Center
Classification: Pathogenic for Generalized epilepsy with febrile seizures plus, type 2. Last evaluated: 2019-01-01. Review status: criteria provided, single submitter. Criteria: ACMG Guidelines, 2015. Collection method: clinical testing. Allele origin: unknown. Affected: yes.

GeneDx
Classification: Likely pathogenic. Last evaluated: 2017-11-27. Review status: criteria provided, single submitter. Criteria: GeneDx Variant Classification (06012015). Collection method: clinical testing. Allele origin: germline. Affected: yes.
Comment: A variant that is likely pathogenic has been identified in the SCN1A gene. The L117P variant has not been published as a pathogenic variant, nor has it been reported as a benign variant to our knowledge. The L117P variant is not observed in large population cohorts (Lek et al., 2016; 1000 Genomes Consortium et al., 2015; Exome Variant Server). The L117P variant is a semi-conservative amino acid substitution, which may impact secondary protein structure as these residues differ in some properties. This substitution occurs at a position where amino acids with similar properties to Leucine are tolerated across species, and is predicted to be within the N-terminal cytoplasmic domain. In silico analysis predicts this variant is probably damaging to the protein structure/function. Missense variants in nearby residues (T112I and R118S) have been reported in the Human Gene Mutation Database in association with SCN1A-related disorders (Stenson et al., 2014), supporting the functional importance of this region of the protein. Therefore, this variant is likely pathogenic; however, the possibility that it is benign cannot be excluded.